The following is an entry in ClinVar:

NM_024675.4(PALB2):c.3247G>A (p.Glu1083Lys)

Gene: PALB2 (partner and localizer of BRCA2; minus strand). Cytogenetic location: 16p12.2.
Variant type: single nucleotide variant.
Coding change: c.3247G>A on transcript NM_024675.4 (MANE Select); coding-DNA position 3247, G replaced by A.
Protein change: p.Glu1083Lys; replaces glutamic acid 1083 with lysine.
Molecular consequence: missense variant.
Genome position (GRCh38, 1-based): chr16:23,607,967, C>T on the plus strand (G>A on the coding strand, the complement: PALB2 is on the minus strand). VCF-style: chr16-23607967-C-T. GRCh37 (hg19) VCF-style: chr16-23619288-C-T.
Other names: short protein forms E1083K.
Identifiers: ClinVar variation 216753 (VCV000216753.34), dbSNP rs747785029, ClinGen allele CA336885.

ClinVar aggregate classification (germline): Uncertain significance. Review status: criteria provided, multiple submitters, no conflicts (2 of 4 stars). 12 submissions from 12 submitters: Uncertain significance (11). 1 of the submissions does not count toward it. Last evaluated 2025-12-06.

Conditions:
Hereditary cancer-predisposing syndrome. Also called: Neoplastic Syndromes, Hereditary; Tumor predisposition; Hereditary Cancer Syndrome; Hereditary neoplastic syndrome. Identifiers: Orphanet 140162, MedGen C0027672, MeSH D009386, MONDO:0015356.
Pancreatic cancer, susceptibility to, 3. Identifiers: Orphanet 1333, MedGen C3150547, MONDO:0013236, OMIM 613348.
Fanconi anemia complementation group N. Also called: PALB2-Related Fanconi Anemia. Identifiers: Orphanet 84, MedGen C1835817, MONDO:0012565, OMIM 610832. Disease mechanism: loss of function.
Familial cancer of breast. Also called: BREAST CANCER, FAMILIAL; Hereditary breast cancer; hereditary breast carcinoma. Identifiers: Orphanet 227535, MedGen C0346153, MONDO:0016419, OMIM 114480. Disease mechanism: loss of function.

Allele frequency attached by ClinVar (database versions not stated): ExAC 0.00001; gnomAD exomes 0.00001 and 0.00002; TOPMed 0.00003; gnomAD 0.00004.
gnomAD v4.1: 16 of 1,613,970 alleles (0.00099%); highest among the groups gnomAD compares: Admixed American, 0.0017%; no homozygotes.

Submissions (12):

Labcorp Genetics (formerly Invitae), Labcorp
Classification: Uncertain significance for Familial cancer of breast. Last evaluated: 2025-12-06. Review status: criteria provided, single submitter. Criteria: Invitae Variant Classification Sherloc (09022015). Collection method: clinical testing. Allele origin: germline.
Comment: This sequence change replaces glutamic acid, which is acidic and polar, with lysine, which is basic and polar, at codon 1083 of the PALB2 protein (p.Glu1083Lys). This variant is present in population databases (rs747785029, gnomAD 0.003%). This missense change has been observed in individual(s) with head and neck squamous cell cancer (PMID: 26580448, 28678401). ClinVar contains an entry for this variant (Variation ID: 216753). An algorithm developed to predict the effect of missense changes on protein structure and function outputs the following: PolyPhen-2: "Benign". The lysine amino acid residue is found in multiple mammalian species, which suggests that this missense change does not adversely affect protein function. RNA analysis performed to evaluate the impact of this missense change on mRNA splicing indicates it does not significantly alter splicing (internal data). In summary, the available evidence is currently insufficient to determine the role of this variant in disease. Therefore, it has been classified as a Variant of Uncertain Significance.

Ambry Genetics
Classification: Uncertain significance for Hereditary cancer-predisposing syndrome. Last evaluated: 2025-07-17. Review status: criteria provided, single submitter. Criteria: Ambry Variant Classification Scheme 2023. Collection method: clinical testing. Allele origin: germline.
Comment: The p.E1083K variant (also known as c.3247G>A), located in coding exon 12 of the PALB2 gene, results from a G to A substitution at nucleotide position 3247. The glutamic acid at codon 1083 is replaced by lysine, an amino acid with similar properties. This variant was reported in 0/60,466 breast cancer cases and in 2/53,461 controls (Dorling et al. N Engl J Med. 2021 02;384:428-439). This variant has also been reported in 1/1120 pediatric cancer patients who underwent whole genome sequencing and/or whole exome sequencing; this patient was diagnosed with a neuroblastoma (Zhang J et al. N Engl J Med, 2015 Dec;373:2336-2346). This variant was also been identified in a patient with a head and neck cancer (Chandrasekharappa SC et al. Cancer, 2017 Oct;123:3943-3954). This amino acid position is well conserved in available vertebrate species. In addition, this alteration is predicted to be tolerated by in silico analysis. Since supporting evidence is limited at this time, the clinical significance of this alteration remains unclear.

Blueprint Genetics
Classification: Uncertain significance. Last evaluated: 2024-11-07. Review status: criteria provided, single submitter. Criteria: ACMG Guidelines, 2015. Collection method: clinical testing. Allele origin: germline.

Color Diagnostics, LLC DBA Color Health
Classification: Uncertain significance for Hereditary cancer-predisposing syndrome. Last evaluated: 2024-06-27. Review status: criteria provided, single submitter. Criteria: ACMG Guidelines, 2015. Collection method: clinical testing. Allele origin: germline.
Comment: This missense variant replaces glutamic acid with lysine at codon 1083 of the PALB2 protein. Computational prediction suggests that this variant may not impact protein structure and function. Splicing predictions suggest that this variant may weaken the intron 11 splice acceptor site (PMID: 35449021). To our knowledge, functional studies have not been reported for this variant. This variant has been detected in a breast cancer case-control meta-analysis in 0/60466 cases and 2/53461 unaffected individuals (PMID: 33471991; Leiden Open Variation Database DB-ID PALB2_010765), and it has also been reported in one individual each affected with pediatric neuroblastoma (PMID: 26580448) and head and neck carcinoma (PMID: 28678401). This variant has been identified in 5/282858 chromosomes in the general population by the Genome Aggregation Database (gnomAD). The available evidence is insufficient to determine the role of this variant in disease conclusively. Therefore, this variant is classified as a Variant of Uncertain Significance.

Institute for Biomarker Research, Medical Diagnostic Laboratories, L.L.C.
Classification: Uncertain significance for Hereditary cancer-predisposing syndrome. Last evaluated: 2024-04-02. Review status: criteria provided, single submitter. Criteria: ACMG Guidelines, 2015. Collection method: clinical testing. Allele origin: germline.

Baylor Genetics
Classification: Uncertain significance for Familial cancer of breast. Last evaluated: 2024-02-07. Review status: criteria provided, single submitter. Criteria: ACMG Guidelines, 2015. Collection method: clinical testing. Allele origin: unknown.

GeneDx
Classification: Uncertain significance. Last evaluated: 2023-07-25. Review status: criteria provided, single submitter. Criteria: GeneDx Variant Classification Process June 2021. Collection method: clinical testing. Allele origin: germline. Affected: yes.
Comment: Not observed at significant frequency in large population cohorts (gnomAD); In silico analysis supports that this missense variant has a deleterious effect on protein structure/function; Observed in individuals with head and neck squamous cell carcinoma or neuroblastoma (Zhang et al., 2015; Chandrasekharappa et al., 2017); This variant is associated with the following publications: (PMID: 28678401, 26580448, 24485656, 20871615, 19609323)

Myriad Genetics, Inc.
Classification: Uncertain significance for Familial cancer of breast. Last evaluated: 2023-03-30. Review status: criteria provided, single submitter. Criteria: Myriad Autosomal Dominant, Autosomal Recessive and X-Linked Classification Criteria (2023). Collection method: clinical testing. Allele origin: unknown.
Comment: This variant is classified as a variant of uncertain significance as there is insufficient evidence to determine its impact on protein function and/or cancer risk.

Laboratorio de Genetica e Diagnostico Molecular, Hospital Israelita Albert Einstein
Classification: Uncertain significance. Last evaluated: 2020-09-04. Review status: criteria provided, single submitter. Criteria: ACMG Guidelines, 2015. Collection method: clinical testing. Allele origin: germline. Affected: yes.
Comment: ACMG classification criteria: PM2, BP4

Women's Health and Genetics/Laboratory Corporation of America, LabCorp
Classification: Uncertain significance. Last evaluated: 2019-06-03. Review status: criteria provided, single submitter. Criteria: LabCorp Variant Classification Summary - May 2015. Collection method: clinical testing. Allele origin: germline.
Comment: Variant summary: PALB2 c.3247G>A (p.Glu1083Lys) results in a conservative amino acid change located in the Partner and localiser of BRCA2, WD40 domain (IPR031920) of the encoded protein sequence. Four of five in-silico tools predict a benign effect of the variant on protein function. The variant allele was found at a frequency of 1.2e-05 in 251470 control chromosomes (gnomAD). The available data on variant occurrences in the general population are insufficient to allow any conclusion about variant significance. c.3247G>A has been reported in the literature in individuals affected with head and neck squamous cell carcinoma and neuroblastoma (Chandrasekharappa_2017, Zhang_2015). These reports do not provide unequivocal conclusions about association of the variant with Breast Cancer. To our knowledge, no experimental evidence demonstrating an impact on protein function has been reported. Six ClinVar submitters (evaluation after 2014) cite the variant as uncertain significance. Based on the evidence outlined above, the variant was classified as uncertain significance.

Fulgent Genetics
Classification: Uncertain significance for Familial cancer of breast; Fanconi anemia complementation group N; Pancreatic cancer, susceptibility to, 3. Last evaluated: 2018-10-31. Review status: criteria provided, single submitter. Criteria: ACMG Guidelines, 2015. Collection method: clinical testing. Allele origin: unknown.

Counsyl
Classification: Uncertain significance for Familial cancer of breast. Last evaluated: 2015-12-10. Review status: no assertion criteria provided. Collection method: clinical testing. Allele origin: unknown. Not counted in ClinVar's aggregate classification.

Literature cited by the submitters: PubMed 26580448 (cited by 4 submitters); PubMed 28678401 (cited by 4 submitters); PubMed 33471991 (cited by Ambry Genetics and Color Diagnostics, LLC DBA Color Health); PubMed 35449021 (cited by Color Diagnostics, LLC DBA Color Health).